The following is an entry in ClinVar:

ClinVar aggregate classification (germline): Uncertain significance. Review status: criteria provided, multiple submitters, no conflicts (2 of 4 stars). 3 submissions from 3 submitters: Uncertain significance (3). Last evaluated 2025-09-14.

Conditions:
Arrhythmogenic right ventricular dysplasia 5. Also called: Arrhythmogenic Right Ventricular Dysplasia/Cardiomyopathy 5; ARRHYTHMOGENIC RIGHT VENTRICULAR DYSPLASIA, FAMILIAL, 5. Identifiers: MedGen C1858379, MONDO:0011459, OMIM 604400.
Cardiovascular phenotype. Identifiers: MedGen CN230736.

Allele frequency attached by ClinVar (database versions not stated): gnomAD 0.00001; TOPMed 0.00001.

Submissions (3):

Labcorp Genetics (formerly Invitae), Labcorp
Classification: Uncertain significance for Arrhythmogenic right ventricular dysplasia 5. Last evaluated: 2025-09-14. Review status: criteria provided, single submitter. Criteria: Invitae Variant Classification Sherloc (09022015). Collection method: clinical testing. Allele origin: germline.
Comment: This sequence change replaces leucine, which is neutral and non-polar, with proline, which is neutral and non-polar, at codon 110 of the TMEM43 protein (p.Leu110Pro). This variant is not present in population databases (gnomAD no frequency). This variant has not been reported in the literature in individuals affected with TMEM43-related conditions. ClinVar contains an entry for this variant (Variation ID: 466416). Invitae Evidence Modeling of protein sequence and biophysical properties (such as structural, functional, and spatial information, amino acid conservation, physicochemical variation, residue mobility, and thermodynamic stability) indicates that this missense variant is not expected to disrupt TMEM43 protein function with a negative predictive value of 80%. In summary, the available evidence is currently insufficient to determine the role of this variant in disease. Therefore, it has been classified as a Variant of Uncertain Significance.

GeneDx
Classification: Uncertain significance. Last evaluated: 2025-03-25. Review status: criteria provided, single submitter. Criteria: GeneDx Variant Classification Process June 2021. Collection method: clinical testing. Allele origin: germline. Affected: yes.
Comment: Not observed at significant frequency in large population cohorts (gnomAD); In silico analysis supports that this missense variant has a deleterious effect on protein structure/function; Has not been previously published as pathogenic or benign to our knowledge

Ambry Genetics
Classification: Uncertain significance for Cardiovascular phenotype. Last evaluated: 2024-06-22. Review status: criteria provided, single submitter. Criteria: Ambry Variant Classification Scheme 2023. Collection method: clinical testing. Allele origin: germline.
Comment: The p.L110P variant (also known as c.329T>C), located in coding exon 4 of the TMEM43 gene, results from a T to C substitution at nucleotide position 329. The leucine at codon 110 is replaced by proline, an amino acid with similar properties. This amino acid position is conserved. In addition, the in silico prediction for this alteration is inconclusive. Based on the available evidence, the clinical significance of this variant remains unclear.

NM_024334.3(TMEM43):c.329T>C (p.Leu110Pro)

Gene: TMEM43 (transmembrane protein 43; plus strand). Cytogenetic location: 3p25.1.
Variant type: single nucleotide variant.
Coding change: c.329T>C on transcript NM_024334.3 (MANE Select); coding-DNA position 329, T replaced by C.
Protein change: p.Leu110Pro; replaces leucine 110 with proline.
Molecular consequence: missense variant.
Genome position (GRCh38, 1-based): chr3:14,131,611, T>C. VCF-style: chr3-14131611-T-C. GRCh37 (hg19) VCF-style: chr3-14173111-T-C.
Other names: short protein forms L110P.
Identifiers: ClinVar variation 466416 (VCV000466416.8), dbSNP rs1553602985, ClinGen allele CA351534824.
Genomic context (GRCh38, chr3:14,131,611, plus strand): 5'-TTTTTTGGTTTCTTTGATTCTGTTTGAAGCTTTTGTCTGATCCAAACTATGGGGTCCATC[T>C]TCCGGCTGTGAAACTGCGGAGGCACGTGGAGATGTACCAATGGGTAGAAACTGAGGAGTC-3'
Protein context (NP_077310.1, residues 100-120): LLSDPNYGVH[Leu110Pro]PAVKLRRHVE